The following is an entry in ClinVar:

ClinVar aggregate classification (germline): Uncertain significance (1 of 4 stars; one submission).

Conditions:
Hereditary cancer-predisposing syndrome. Also called: Neoplastic Syndromes, Hereditary; Tumor predisposition; Hereditary Cancer Syndrome; Hereditary neoplastic syndrome. Identifiers: Orphanet 140162, MedGen C0027672, MeSH D009386, MONDO:0015356.

Submission:

Ambry Genetics
Classification: Uncertain significance for Hereditary cancer-predisposing syndrome. Last evaluated: 2022-04-28. Review status: criteria provided, single submitter. Criteria: Ambry Variant Classification Scheme 2023. Collection method: clinical testing. Allele origin: germline.
Comment: The p.W1339G variant (also known as c.4015T>G), located in coding exon 23 of the PTCH1 gene, results from a T to G substitution at nucleotide position 4015. The tryptophan at codon 1339 is replaced by glycine, an amino acid with highly dissimilar properties. This amino acid position is conserved. In addition, this alteration is predicted to be tolerated by in silico analysis. Since supporting evidence is limited at this time, the clinical significance of this alteration remains unclear.

NM_000264.5(PTCH1):c.4015T>G (p.Trp1339Gly)

Gene: PTCH1 (patched 1; minus strand). Cytogenetic location: 9q22.32.
Variant type: single nucleotide variant.
Coding change: c.4015T>G on transcript NM_000264.5 (MANE Select); coding-DNA position 4015, T replaced by G.
Protein change: p.Trp1339Gly; replaces tryptophan 1339 with glycine.
Molecular consequence: missense variant. On other transcripts: non-coding transcript variant (1).
Genome position (GRCh38, 1-based): chr9:95,447,241, A>C on the plus strand (T>G on the coding strand, the complement: PTCH1 is on the minus strand). VCF-style: chr9-95447241-A-C. GRCh37 (hg19) VCF-style: chr9-98209523-A-C.
Other names: c.3817T>G, p.Trp1273Gly (NM_001083602.3); c.4012T>G, p.Trp1338Gly (NM_001083603.3); c.3562T>G, p.Trp1188Gly (NM_001083604.3, NM_001083605.3, NM_001083606.3 and 1 more transcripts); c.3859T>G, p.Trp1287Gly (NM_001354918.2); short protein forms W1273G, W1188G, W1287G, W1338G, W1339G.
Identifiers: ClinVar variation 1737059 (VCV001737059.2), dbSNP rs1181929625, ClinGen allele CA374110473.